The following is an entry in ClinVar:

NM_001258392.3(CLPB):c.1793G>A (p.Arg598His)

Gene: CLPB (ClpB family mitochondrial disaggregase; minus strand). Cytogenetic location: 11q13.4.
Variant type: single nucleotide variant.
Coding change: c.1793G>A on transcript NM_001258392.3 (MANE Select); coding-DNA position 1793, G replaced by A.
Protein change: p.Arg598His; replaces arginine 598 with histidine.
Molecular consequence: missense variant.
Genome position (GRCh38, 1-based): chr11:72,293,608, C>T on the plus strand (G>A on the coding strand, the complement: CLPB is on the minus strand). VCF-style: chr11-72293608-C-T. GRCh37 (hg19) VCF-style: chr11-72004652-C-T.
Other names: c.1706G>A, p.Arg569His (NM_001258393.3); c.1748G>A, p.Arg583His (NM_001258394.3); c.1883G>A, p.Arg628His (NM_030813.6); short protein forms R569H, R598H, R583H, R628H.
Identifiers: ClinVar variation 4773366 (VCV004773366.1).
Genomic context (GRCh38, chr11:72,293,608, plus strand): 5'-GTACAGCCCCCTGGCAGCAGGTCCTGCTCATAGGCTGCTGCCAGCTGGTTCACCACACGG[C>T]GTTCTACCTGTCGGTGGGGAGGTGAAGTGGTCACTCCCTCGGCCTGGACCCAGCTTGGAG-3'
Protein context (NP_001245321.1, residues 588-608): GARSIKHEVE[Arg598His]RVVNQLAAAY

ClinVar aggregate classification (germline): Uncertain significance (1 of 4 stars; one submission).

Conditions:
3-methylglutaconic aciduria, type VIIB (MGCA7B). Also called: CLPB Deficiency; 3-methylglutaconic aciduria with cataracts, neurologic involvement and neutropenia; 3-methylglutaconic aciduria, type VII, with cataracts, neurologic involvement and neutropenia. Identifiers: Orphanet 445038, MedGen C5676893, MONDO:0014561, OMIM 616271.

gnomAD v4.1: 6 of 1,610,448 alleles (0.00037%); highest among the groups gnomAD compares: Admixed American, 0.0017%; no homozygotes.

Submission:

Labcorp Genetics (formerly Invitae), Labcorp
Classification: Uncertain significance for 3-methylglutaconic aciduria, type VIIB. Last evaluated: 2025-10-08. Review status: criteria provided, single submitter. Criteria: Invitae Variant Classification Sherloc (09022015). Collection method: clinical testing. Allele origin: germline.
Comment: This sequence change replaces arginine, which is basic and polar, with histidine, which is basic and polar, at codon 628 of the CLPB protein (p.Arg628His). This variant is present in population databases (no rsID available, gnomAD 0.003%). This variant has not been reported in the literature in individuals affected with CLPB-related conditions. An algorithm developed to predict the effect of missense changes on protein structure and function (PolyPhen-2) suggests that this variant is likely to be disruptive. In summary, the available evidence is currently insufficient to determine the role of this variant in disease. Therefore, it has been classified as a Variant of Uncertain Significance.